The following is an entry in ClinVar:

ClinVar aggregate classification (germline): Uncertain significance (1 of 4 stars; one submission).

Submission:

Labcorp Genetics (formerly Invitae), Labcorp
Classification: Uncertain significance. Last evaluated: 2024-03-02. Review status: criteria provided, single submitter. Criteria: Invitae Variant Classification Sherloc (09022015). Collection method: clinical testing. Allele origin: germline.
Comment: This sequence change replaces leucine, which is neutral and non-polar, with arginine, which is basic and polar, at codon 669 of the MKL1 protein (p.Leu669Arg). This variant is not present in population databases (gnomAD no frequency). This variant has not been reported in the literature in individuals affected with MKL1-related conditions. An algorithm developed to predict the effect of missense changes on protein structure and function (PolyPhen-2) suggests that this variant is likely to be disruptive. In summary, the available evidence is currently insufficient to determine the role of this variant in disease. Therefore, it has been classified as a Variant of Uncertain Significance.

NM_020831.6(MRTFA):c.2306T>G (p.Leu769Arg)

Gene: MRTFA (myocardin related transcription factor A; minus strand). Cytogenetic location: 22q13.1.
Variant type: single nucleotide variant.
Coding change: c.2306T>G on transcript NM_020831.6 (MANE Select); coding-DNA position 2306, T replaced by G.
Protein change: p.Leu769Arg; replaces leucine 769 with arginine.
Molecular consequence: missense variant.
Genome position (GRCh38, 1-based): chr22:40,418,432, A>C on the plus strand (T>G on the coding strand, the complement: MRTFA is on the minus strand). VCF-style: chr22-40418432-A-C. GRCh37 (hg19) VCF-style: chr22-40814436-A-C.
Other names: c.2006T>G, p.Leu669Arg (NM_001282660.2); c.2156T>G, p.Leu719Arg (NM_001282661.3); c.2306T>G, p.Leu769Arg (NM_001282662.3); c.2111T>G, p.Leu704Arg (NM_001318139.2); short protein forms L769R, L669R, L704R, L719R.
Identifiers: ClinVar variation 3644212 (VCV003644212.2).